The following is an entry in ClinVar:

NM_152296.5(ATP1A3):c.2902del (p.Leu968fs)

Gene: ATP1A3 (ATPase Na+/K+ transporting subunit alpha 3; minus strand). Cytogenetic location: 19q13.2.
Variant type: Deletion.
Coding change: c.2902del on transcript NM_152296.5 (MANE Select); coding-DNA position 2902, one base deleted (C; older notation c.2902delC).
Protein change: p.Leu968fs; shifts the reading frame from leucine 968.
Molecular consequence: frameshift variant.
Genome position (GRCh38, 1-based): chr19:41,967,681, G deleted on the plus strand (C on the coding strand, the reverse complement: ATP1A3 is on the minus strand); the first of 3 consecutive G bases (chr19:41,967,681-41,967,683); deleting any one gives the same sequence. VCF-style (leftmost placement, unchanged base first): chr19-41967680-AG-A. GRCh37 (hg19) VCF-style: chr19-42471832-AG-A.
Other names: c.2935del, p.Leu979fs (NM_001256213.2); c.2941del, p.Leu981fs (NM_001256214.2); short protein forms L968fs, L981fs, L979fs.
Identifiers: ClinVar variation 2829947 (VCV002829947.3), dbSNP rs2514025233, ClinGen allele CA2739276831.

ClinVar aggregate classification (germline): Pathogenic (1 of 4 stars; one submission).

Conditions:
Dystonia 12 (DYT12). Also called: DYT-ATP1A3; Rapid-Onset Dystonia-Parkinsonism (RDP). Identifiers: Orphanet 71517, MedGen C1868681, MONDO:0007496, OMIM 128235.

Submission:

Labcorp Genetics (formerly Invitae), Labcorp
Classification: Pathogenic for Dystonia 12. Last evaluated: 2023-01-18. Review status: criteria provided, single submitter. Criteria: Invitae Variant Classification Sherloc (09022015). Collection method: clinical testing. Allele origin: germline.
Comment: For these reasons, this variant has been classified as Pathogenic. This variant disrupts a region of the ATP1A3 protein in which other variant(s) (p.Tyr1013dup) have been determined to be pathogenic (PMID: 19351654). This suggests that this is a clinically significant region of the protein, and that variants that disrupt it are likely to be disease-causing. This variant has not been reported in the literature in individuals affected with ATP1A3-related conditions. This variant is not present in population databases (gnomAD no frequency). This sequence change results in a frameshift in the ATP1A3 gene (p.Leu968Cysfs*148). While this is not anticipated to result in nonsense mediated decay, it is expected to disrupt the last 46 amino acid(s) of the ATP1A3 protein and extend the protein by 101 additional amino acid residues.

Literature cited by the submitters: PubMed 19351654.